The following is an entry in ClinVar:

NM_002230.4(JUP):c.272C>T (p.Pro91Leu)

Gene: JUP (junction plakoglobin; minus strand). Cytogenetic location: 17q21.2.
Variant type: single nucleotide variant.
Coding change: c.272C>T on transcript NM_002230.4 (MANE Select); coding-DNA position 272, C replaced by T.
Protein change: p.Pro91Leu; replaces proline 91 with leucine.
Molecular consequence: missense variant.
Genome position (GRCh38, 1-based): chr17:41,769,614, G>A on the plus strand (C>T on the coding strand, the complement: JUP is on the minus strand). VCF-style: chr17-41769614-G-A. GRCh37 (hg19) VCF-style: chr17-39925866-G-A.
Other names: c.272C>T, p.Pro91Leu (NM_001352773.2, NM_001352774.2, NM_001352775.2 and 3 more transcripts); c.272C>T (NM_002230.2); short protein forms P91L.
Identifiers: ClinVar variation 1512101 (VCV001512101.7), dbSNP rs1567819889, ClinGen allele CA399505734.

ClinVar aggregate classification (germline): Uncertain significance. Review status: criteria provided, multiple submitters, no conflicts (2 of 4 stars). 2 submissions from 2 submitters: Uncertain significance (2). Last evaluated 2025-08-11.

Conditions:
Cardiovascular phenotype. Identifiers: MedGen CN230736.
Arrhythmogenic right ventricular dysplasia 12. Also called: ARRHYTHMOGENIC RIGHT VENTRICULAR DYSPLASIA, FAMILIAL, 12. Identifiers: MedGen C1969081, MONDO:0012684, OMIM 611528.
Naxos disease (NXD). Also called: PALMOPLANTAR KERATODERMA WITH ARRHYTHMOGENIC RIGHT VENTRICULAR CARDIOMYOPATHY AND WOOLLY HAIR; WOOLLY HAIR, PALMOPLANTAR KERATODERMA, AND CARDIAC ABNORMALITIES; CARDIOMYOPATHY, ARRHYTHMOGENIC RIGHT VENTRICULAR, WITH SKIN, HAIR, AND NAIL ABNORMALITIES; KERATOSIS PALMOPLANTARIS WITH ARRHYTHMOGENIC CARDIOMYOPATHY; MAL DE NAXOS. Identifiers: Orphanet 34217, MedGen C1832600, MONDO:0011017, OMIM 601214.

Allele frequency attached by ClinVar (database versions not stated): gnomAD exomes below 0.00001.

Submissions (2):

Labcorp Genetics (formerly Invitae), Labcorp
Classification: Uncertain significance for Arrhythmogenic right ventricular dysplasia 12; Naxos disease. Last evaluated: 2025-08-11. Review status: criteria provided, single submitter. Criteria: Invitae Variant Classification Sherloc (09022015). Collection method: clinical testing. Allele origin: germline.
Comment: This sequence change replaces proline, which is neutral and non-polar, with leucine, which is neutral and non-polar, at codon 91 of the JUP protein (p.Pro91Leu). This variant is not present in population databases (gnomAD no frequency). This variant has not been reported in the literature in individuals affected with JUP-related conditions. ClinVar contains an entry for this variant (Variation ID: 1512101). An algorithm developed to predict the effect of missense changes on protein structure and function (PolyPhen-2) suggests that this variant is likely to be tolerated. In summary, the available evidence is currently insufficient to determine the role of this variant in disease. Therefore, it has been classified as a Variant of Uncertain Significance.

Ambry Genetics
Classification: Uncertain significance for Cardiovascular phenotype. Last evaluated: 2025-05-16. Review status: criteria provided, single submitter. Criteria: Ambry Variant Classification Scheme 2023. Collection method: clinical testing. Allele origin: germline.